The following continues an entry in ClinVar:

NM_000277.3(PAH):c.473G>A (p.Arg158Gln)

Gene: PAH. ClinVar aggregate classification (germline): Pathogenic. Pathogenic (1).

Submissions 13 to 27 of 27:

Quest Diagnostics Nichols Institute San Juan Capistrano
Classification: Pathogenic. Last evaluated: 2021-10-21. Review status: criteria provided, single submitter. Criteria: Quest Diagnostics criteria. Collection method: clinical testing. Allele origin: unknown. Not counted in ClinVar's aggregate classification.
Comment: In the published literature, the variant has been reported in individuals affected by Phenylketonuria (PKU) (PMIDs: 2606484 (1989), 12655546 (2003), 30747360 (2019), and 31355225 (2019)). Functional studies show that this variant is predicted to negatively impact protein function (PMIDs: 12655546 (2003), 17935162 (2008), 19036622 (2009), 21953985 (2012), and 25750018 (2015)). Based on the available information, this variant is classified as pathogenic.

GeneDx
Classification: Pathogenic. Last evaluated: 2020-05-04. Review status: criteria provided, single submitter. Criteria: GeneDx Variant Classification Process June 2021. Collection method: clinical testing. Allele origin: germline. Affected: yes. Not counted in ClinVar's aggregate classification.
Comment: Associated with significantly reduced enzyme activity compared to wild type (Steventon et al., 2009); In silico analysis, which includes protein predictors and evolutionary conservation, supports a deleterious effect; BH4 responsiveness has been inconsistent in patients with R158Q (Zurfluh et al., 2008); This variant is associated with the following publications: (PMID: 26210745, 27264808, 25087612, 30963030, 31355225, 17924342, 22975760, 12655546, 2014036, 21953985, 19036622, 2606484, 17935162, 28754886, 29288420, 29111448, 28956315, 29316886, 28676969, 23500595, 25750018, 26803807, 29499199, 30747360, 31589614, 33101986, 8188310)

Myriad Genetics, Inc.
Classification: Pathogenic for Phenylketonuria. Last evaluated: 2019-12-09. Review status: criteria provided, single submitter. Criteria: Myriad Women's Health Autosomal Recessive and X-Linked Classification Criteria (2019). Collection method: clinical testing. Allele origin: unknown. Not counted in ClinVar's aggregate classification.
Comment: NM_000277.1(PAH):c.473G>A(R158Q) is classified as pathogenic in the context of phenylalanine hydroxylase deficiency and is associated with classic or variant PKU. Sources cited for classification include the following: PMID 22513348, 2014036, 2606484, 12655546, 19036622, 21953985 and 17935162. Classification of NM_000277.1(PAH):c.473G>A(R158Q) is based on the following criteria: This is a well-established pathogenic variant in the literature that has been observed more frequently in patients with clinical diagnoses than in healthy populations. Please note: this variant was assessed in the context of healthy population screening.

Genomic Research Center, Shahid Beheshti University of Medical Sciences
Classification: Pathogenic for Phenylketonuria. Last evaluated: 2017-12-03. Review status: criteria provided, single submitter. Criteria: ACMG Guidelines, 2015. Collection method: clinical testing. Allele origin: inherited. Not counted in ClinVar's aggregate classification.

Eurofins Ntd Llc (ga)
Classification: Pathogenic. Last evaluated: 2016-10-26. Review status: criteria provided, single submitter. Criteria: EGL Classification Definitions 2015. Collection method: clinical testing. Allele origin: germline. Observed: 14 variant alleles, 14 heterozygotes. Not counted in ClinVar's aggregate classification.

Women's Health and Genetics/Laboratory Corporation of America, LabCorp
Classification: Pathogenic for Phenylketonuria. Last evaluated: 2016-07-28. Review status: criteria provided, single submitter. Criteria: LabCorp Variant Classification Summary - May 2015. Collection method: clinical testing. Allele origin: germline. Not counted in ClinVar's aggregate classification.
Comment: Variant summary: The PAH c.473G>A (p.Arg158Gln) variant involves the alteration of a conserved nucleotide. The affected amino acid, Arg158, is located in the Aromatic amino acid hydroxylase, C-terminal domain. 4/5 in silico tools predict a damaging outcome for this variant, and the residual activity from in vitro cell based assays was reported to be 10% of wild type activity (Zurfluh_HM_2008 and BIOPKU database). This variant was found in 12/121256 control chromosomes at a frequency of 0.000099, which does not exceed the estimated maximal expected allele frequency of a pathogenic PAH variant (0.0079057). This variant has been reported in numerous patients with classic or moderate PKU. In addition, multiple clinical diagnostic laboratories/reputable databases classified this variant as pathogenic. Taken together, this variant is classified as pathogenic.

Juno Genomics, Hangzhou Juno Genomics, Inc
Classification: Pathogenic for Phenylketonuria. Review status: criteria provided, single submitter. Criteria: ACMG Guidelines, 2015. Collection method: clinical testing. Allele origin: germline. Not counted in ClinVar's aggregate classification.
Comment: Absent from controls (or at extremely low frequency if recessive) in Genome Aggregation Database.;Multiple lines of computational evidence support a deleterious effect on the gene or gene product.;For recessive disorders, detected in trans with a pathogenic variant.

PreventionGenetics, part of Exact Sciences
Classification: Pathogenic for PAH-related condition. Last evaluated: 2024-07-30. Review status: no assertion criteria provided. Collection method: clinical testing. Allele origin: germline. Not counted in ClinVar's aggregate classification.
Comment: The PAH c.473G>A variant is predicted to result in the amino acid substitution p.Arg158Gln. This variant has been commonly observed in individuals with phenylalanine hydroxylase deficiency and is associated clinically with phenylketonuria (PKU) (e.g., Dworniczak et al. 1989. PubMedID: 2606484; Bénit et al. 1999. PubMed ID: 10479481; Couce et al. 2013. PubMed ID: 23500595; Ho et al. 2014. PubMed ID: 24368688; Danecka et al. 2015. PubMed ID: 25596310). In functional studies, p.Arg158Gln substitution has been reported to reduce enzyme activity to 10% or less relative to control (Zurflüh et al. 2008. PubMed ID: 17935162; Steventon et al. 2009. PubMed ID: 19036622). This substitution has been reported to lead to a PAH protein that is responsive to tetrahydrobiopterin (BH4) (Zurflüh et al. 2008. PubMed ID: 17935162; Couce et al. 2013. PubMed ID: 23500595). This variant is reported in 0.019% of alleles in individuals of European (Non-Finnish) descent in gnomAD. It is classified as pathogenic by the ClinGen PAH Variant Curation Expert Panel as well as by many other laboratories. Based on these observations, we also interpret this variant as pathogenic.

OMIM
Classification: Pathogenic for PHENYLKETONURIA. Last evaluated: 1989-12-01. Review status: no assertion criteria provided. Collection method: literature only. Allele origin: germline. Not counted in ClinVar's aggregate classification.

Clinical Genetics DNA and cytogenetics Diagnostics Lab, Erasmus MC, Erasmus Medical Center
Classification: Pathogenic. Review status: no assertion criteria provided. Collection method: clinical testing. Allele origin: germline. Affected: yes. Study: VKGL Data-share Consensus. Not counted in ClinVar's aggregate classification.

DeBelle Laboratory for Biochemical Genetics, MUHC/MCH RESEARCH INSTITUTE
No classification provided. Review status: no classification provided. Collection method: not provided. Allele origin: not provided. Not counted in ClinVar's aggregate classification.

GeneReviews
No classification provided. Condition: Phenylketonuria. Review status: no classification provided. Collection method: literature only. Allele origin: germline. Affected: yes. Not counted in ClinVar's aggregate classification.

Genome Diagnostics Laboratory, University Medical Center Utrecht
Classification: Pathogenic. Review status: no assertion criteria provided. Collection method: clinical testing. Allele origin: germline. Affected: yes. Study: VKGL Data-share Consensus. Not counted in ClinVar's aggregate classification.

Joint Genome Diagnostic Labs from Nijmegen and Maastricht, Radboudumc and MUMC+
Classification: Pathogenic. Review status: no assertion criteria provided. Collection method: clinical testing. Allele origin: germline. Affected: yes. Study: VKGL Data-share Consensus. Not counted in ClinVar's aggregate classification.

Neonatal Disease Screening Center, Medical Genetics Center, Huaihua City Maternal and Child Health Care Hospital
Classification: Pathogenic for Phenylketonuria. Review status: no assertion criteria provided. Criteria: ACMG Guidelines, 2015. Collection method: clinical testing. Allele origin: germline. Affected: yes. Observed: 1 variant allele. Not counted in ClinVar's aggregate classification.
Comment: PS3+PM3_VS+PP3+PP4_M

Literature cited by the submitters: PubMed 19036622 (cited by 7 submitters); PubMed 24368688 (cited by 5 submitters); PubMed 23500595 (cited by 6 submitters); PubMed 10479481 (cited by 5 submitters); PubMed 2014036 (cited by 7 submitters); PubMed 25596310 (cited by Labcorp Genetics (formerly Invitae), Labcorp and Dasa); PubMed 14654665 (cited by Labcorp Genetics (formerly Invitae), Labcorp and Dasa); PubMed 27121329 (cited by Natera, Inc.); PubMed 23457044 (cited by Pittsburgh Clinical Genomics Laboratory, University of Pittsburgh Medical Center); PubMed 2606484 (cited by 4 submitters); PubMed 1307609 (cited by 3billion); PubMed 31589614 (cited by Quest Diagnostics Nichols Institute San Juan Capistrano); PubMed 31355225 (cited by Quest Diagnostics Nichols Institute San Juan Capistrano); PubMed 30747360 (cited by Quest Diagnostics Nichols Institute San Juan Capistrano); PubMed 22975760 (cited by Quest Diagnostics Nichols Institute San Juan Capistrano); PubMed 12655546 (cited by Quest Diagnostics Nichols Institute San Juan Capistrano and Myriad Genetics, Inc.); PubMed 25750018 (cited by Quest Diagnostics Nichols Institute San Juan Capistrano); PubMed 26803807 (cited by Quest Diagnostics Nichols Institute San Juan Capistrano); PubMed 21953985 (cited by Quest Diagnostics Nichols Institute San Juan Capistrano and Myriad Genetics, Inc.); PubMed 25087612 (cited by Quest Diagnostics Nichols Institute San Juan Capistrano); PubMed 27264808 (cited by Quest Diagnostics Nichols Institute San Juan Capistrano); PubMed 17935162 (cited by 3 submitters); PubMed 22513348 (cited by Myriad Genetics, Inc.); PubMed 9634518 (cited by Women's Health and Genetics/Laboratory Corporation of America, LabCorp); PubMed 26666653 (cited by Women's Health and Genetics/Laboratory Corporation of America, LabCorp); NCBI Bookshelf NBK1504 (cited by GeneReviews).